The following is an entry in ClinVar:

ClinVar aggregate classification (germline): Uncertain significance (1 of 4 stars; one submission).

Allele frequency attached by ClinVar (database versions not stated): TOPMed below 0.00001; gnomAD exomes 0.00001; ExAC 0.00002; ESP Exome Variant Server 0.00008.
gnomAD v4.1: 11 of 1,605,192 alleles (0.00069%); highest among the groups gnomAD compares: Non-Finnish European, 0.00085%; no homozygotes.

Submission:

Labcorp Genetics (formerly Invitae), Labcorp
Classification: Uncertain significance. Last evaluated: 2021-11-13. Review status: criteria provided, single submitter. Criteria: Invitae Variant Classification Sherloc (09022015). Collection method: clinical testing. Allele origin: germline.
Comment: This variant is present in population databases (rs369503296, gnomAD 0.003%). In summary, the available evidence is currently insufficient to determine the role of this variant in disease. Therefore, it has been classified as a Variant of Uncertain Significance. Algorithms developed to predict the effect of missense changes on protein structure and function are either unavailable or do not agree on the potential impact of this missense change (SIFT: "Deleterious"; PolyPhen-2: "Benign"; Align-GVGD: "Class C0"). This variant has not been reported in the literature in individuals affected with CARMIL2-related conditions. This sequence change replaces proline, which is neutral and non-polar, with arginine, which is basic and polar, at codon 409 of the CARMIL2 protein (p.Pro409Arg).

NM_001013838.3(CARMIL2):c.1226C>G (p.Pro409Arg)

Gene: CARMIL2 (capping protein regulator and myosin 1 linker 2; plus strand). Cytogenetic location: 16q22.1.
Variant type: single nucleotide variant.
Coding change: c.1226C>G on transcript NM_001013838.3 (MANE Select); coding-DNA position 1226, C replaced by G.
Protein change: p.Pro409Arg; replaces proline 409 with arginine.
Molecular consequence: missense variant. On other transcripts: intron variant (1).
Genome position (GRCh38, 1-based): chr16:67,648,206, C>G. VCF-style: chr16-67648206-C-G. GRCh37 (hg19) VCF-style: chr16-67682109-C-G.
Other names: c.1150-32C>G (NM_001317026.3); short protein forms P409R.
Identifiers: ClinVar variation 1359068 (VCV001359068.6), dbSNP rs369503296, ClinGen allele CA8113373.
Genomic context (GRCh38, chr16:67,648,206, plus strand): 5'-TGGGGGGATGGATGACCGGCAGGGCGGACTGGAGGGCGGGACGGGGAGGGCTCGGTCCCC[C>G]CGCGGGTGTAGCCAACAGCCTCCCCCCGCAGCTCTTCGCAGCGGTATCCCGAGGCTGCTG-3'
Protein context (NP_001013860.1, residues 399-419): WRAGRGGLGP[Pro409Arg]AGVANSLPPQ